The following is an entry in ClinVar:

NM_022455.5(NSD1):c.5907_5908insAC (p.Glu1970fs)

Gene: NSD1 (nuclear receptor binding SET domain protein 1; plus strand). Cytogenetic location: 5q35.3.
Variant type: Insertion.
Coding change: c.5907_5908insAC on transcript NM_022455.5 (MANE Select); coding-DNA positions 5907 to 5908, AC inserted.
Protein change: p.Glu1970fs; shifts the reading frame from glutamic acid 1970.
Molecular consequence: frameshift variant.
Genome position: GRCh38 VCF-style: chr5-177282479-T-TAC. GRCh37 (hg19) VCF-style: chr5-176709480-T-TAC.
Other names: c.5034_5035insAC, p.Glu1679fs (NM_001365684.2, NM_001409308.1, NM_001409309.1 and 1 more transcripts); c.5907_5908insAC, p.Glu1970fs (NM_001409301.1, NM_001409302.1, NM_001409303.1); c.5487_5488insAC, p.Glu1830fs (NM_001409304.1); c.5154_5155insAC, p.Glu1719fs (NM_001409305.1); c.5145_5146insAC, p.Glu1716fs (NM_001409306.1, NM_001409307.1); short protein forms E1679fs, E1830fs, E1719fs, E1970fs, E1716fs.
Identifiers: ClinVar variation 3690980 (VCV003690980.2).

ClinVar aggregate classification (germline): Pathogenic (1 of 4 stars; one submission).

Submission:

Labcorp Genetics (formerly Invitae), Labcorp
Classification: Pathogenic. Last evaluated: 2022-12-07. Review status: criteria provided, single submitter. Criteria: Invitae Variant Classification Sherloc (09022015). Collection method: clinical testing. Allele origin: germline.
Comment: This sequence change creates a premature translational stop signal (p.Glu1970Thrfs*8) in the NSD1 gene. It is expected to result in an absent or disrupted protein product. Loss-of-function variants in NSD1 are known to be pathogenic (PMID: 12464997, 14571271, 15942875, 16247291). For these reasons, this variant has been classified as Pathogenic. This variant has not been reported in the literature in individuals affected with NSD1-related conditions. This variant is not present in population databases (gnomAD no frequency).

Literature cited by the submitters: PubMed 12464997; PubMed 14571271; PubMed 15942875; PubMed 16247291.